The following is an entry in ClinVar:

ClinVar aggregate classification (germline): Uncertain significance (1 of 4 stars; one submission).

Submission:

CeGaT Center for Human Genetics Tuebingen
Classification: Uncertain significance. Last evaluated: 2022-04-01. Review status: criteria provided, single submitter. Criteria: CeGaT Center For Human Genetics Tuebingen Variant Classification Criteria Version 2. Collection method: clinical testing. Allele origin: germline. Affected: yes. Observed: 1 variant allele.
Comment: ABCB4: PM1, PM2, PS1:Supporting

NM_000443.4(ABCB4):c.3692A>G (p.His1231Arg)

Gene: ABCB4 (ATP binding cassette subfamily B member 4; minus strand). Cytogenetic location: 7q21.12.
Variant type: single nucleotide variant.
Coding change: c.3692A>G on transcript NM_000443.4 (MANE Select); coding-DNA position 3692, A replaced by G.
Protein change: p.His1231Arg; replaces histidine 1231 with arginine.
Molecular consequence: missense variant.
Genome position (GRCh38, 1-based): chr7:87,402,244, T>C on the plus strand (A>G on the coding strand, the complement: ABCB4 is on the minus strand). VCF-style: chr7-87402244-T-C. GRCh37 (hg19) VCF-style: chr7-87031560-T-C.
Other names: c.3713A>G, p.His1238Arg (NM_018849.3); c.3551A>G, p.His1184Arg (NM_018850.3); short protein forms H1184R, H1231R, H1238R.
Identifiers: ClinVar variation 1695193 (VCV001695193.31), dbSNP rs2116295930, ClinGen allele CA368056933.